The following is an entry in ClinVar:

NM_014334.4(FRRS1L):c.688G>T (p.Ala230Ser)

Gene: FRRS1L (ferric chelate reductase 1 like; minus strand). Cytogenetic location: 9q31.3.
Variant type: single nucleotide variant.
Coding change: c.688G>T on transcript NM_014334.4 (MANE Select); coding-DNA position 688, G replaced by T.
Protein change: p.Ala230Ser; replaces alanine 230 with serine.
Molecular consequence: missense variant.
Genome position (GRCh38, 1-based): chr9:109,141,364, C>A on the plus strand (G>T on the coding strand, the complement: FRRS1L is on the minus strand). VCF-style: chr9-109141364-C-A. GRCh37 (hg19) VCF-style: chr9-111903644-C-A.
Other names: short protein forms A230S.
Identifiers: ClinVar variation 842029 (VCV000842029.8), dbSNP rs149801368, ClinGen allele CA5177355.

ClinVar aggregate classification (germline): Uncertain significance. Review status: criteria provided, multiple submitters, no conflicts (2 of 4 stars). 2 submissions from 2 submitters: Uncertain significance (2). Last evaluated 2025-04-20.

Conditions:
Inborn genetic diseases. Identifiers: MedGen C0950123, MeSH D030342.
Developmental and epileptic encephalopathy, 37 (DEE37). Also called: Epileptic encephalopathy, early infantile, 37. Identifiers: MedGen C4310770, MONDO:0014859, OMIM 616981.

Allele frequency attached by ClinVar (database versions not stated): ExAC 0.00002; gnomAD exomes 0.00002 and 0.00001; gnomAD 0.00005; TOPMed 0.00003.

Submissions (2):

Ambry Genetics
Classification: Uncertain significance for Inborn genetic diseases. Last evaluated: 2025-04-20. Review status: criteria provided, single submitter. Criteria: Ambry Variant Classification Scheme 2023. Collection method: clinical testing. Allele origin: germline.

Labcorp Genetics (formerly Invitae), Labcorp
Classification: Uncertain significance for Developmental and epileptic encephalopathy, 37. Last evaluated: 2022-08-31. Review status: criteria provided, single submitter. Criteria: Invitae Variant Classification Sherloc (09022015). Collection method: clinical testing. Allele origin: germline.
Comment: This sequence change replaces alanine, which is neutral and non-polar, with serine, which is neutral and polar, at codon 281 of the FRRS1L protein (p.Ala281Ser). This variant is present in population databases (rs149801368, gnomAD 0.02%). This variant has not been reported in the literature in individuals affected with FRRS1L-related conditions. ClinVar contains an entry for this variant (Variation ID: 842029). Algorithms developed to predict the effect of missense changes on protein structure and function are either unavailable or do not agree on the potential impact of this missense change (SIFT: "Tolerated"; PolyPhen-2: "Possibly Damaging"; Align-GVGD: "Class C0"). In summary, the available evidence is currently insufficient to determine the role of this variant in disease. Therefore, it has been classified as a Variant of Uncertain Significance.